The following is an entry in ClinVar:

ClinVar aggregate classification (germline): Likely benign. Review status: criteria provided, single submitter (1 of 4 stars). 2 submissions from 2 submitters: Likely benign (1). 1 of the submissions does not count toward it. Last evaluated 2023-11-22.

Conditions:
SLC6A19-related disorder. Also called: SLC6A19-related condition.

Allele frequency attached by ClinVar (database versions not stated): gnomAD 0.00001; ExAC 0.00003; gnomAD exomes 0.00005; ESP Exome Variant Server 0.00008.
gnomAD v4.1: 69 of 1,598,470 alleles (0.0043%); highest among the groups gnomAD compares: Non-Finnish European, 0.0056%; no homozygotes.

Submissions (2):

Labcorp Genetics (formerly Invitae), Labcorp
Classification: Likely benign. Last evaluated: 2023-11-22. Review status: criteria provided, single submitter. Criteria: Invitae Variant Classification Sherloc (09022015). Collection method: clinical testing. Allele origin: germline.

PreventionGenetics, part of Exact Sciences
Classification: Likely benign for SLC6A19-related condition. Last evaluated: 2019-02-21. Review status: no assertion criteria provided. Collection method: clinical testing. Allele origin: germline. Not counted in ClinVar's aggregate classification.
Comment: This variant is classified as likely benign based on ACMG/AMP sequence variant interpretation guidelines (Richards et al. 2015 PMID: 25741868, with internal and published modifications).

NM_001003841.3(SLC6A19):c.664-5C>T

Gene: SLC6A19 (solute carrier family 6 member 19; plus strand). Cytogenetic location: 5p15.33.
Variant type: single nucleotide variant.
Coding change: c.664-5C>T on transcript NM_001003841.3 (MANE Select); 5 bases into the intron before coding-DNA position 664, C replaced by T.
Molecular consequence: intron variant.
Genome position (GRCh38, 1-based): chr5:1,213,458, C>T. VCF-style: chr5-1213458-C-T. GRCh37 (hg19) VCF-style: chr5-1213573-C-T.
Other names: c.664-5C>T (NM_001003841.2).
Identifiers: ClinVar variation 2904528 (VCV002904528.5), dbSNP rs374609774, ClinGen allele CA3182829.
Genomic context (GRCh38, chr5:1,213,458, plus strand): 5'-GCCGCCCCCACCGCATGCCTGGCCCCCCAACTTCCCGCCCATCCCACATGTCCCGCCCTC[C>T]GCAGGCCGTGTACATCACCTCCACGCTGCCCTATGTCGTCCTGACCATCTTCCTCATCCG-3'